The following is an entry in ClinVar:

NM_004104.5(FASN):c.795_796del (p.Asp267fs)

Gene: FASN (fatty acid synthase; minus strand). Cytogenetic location: 17q25.3.
Variant type: Deletion.
Coding change: c.795_796del on transcript NM_004104.5 (MANE Select); coding-DNA positions 795 to 796, 2 bases deleted (AG; older notation c.795_796delAG).
Protein change: p.Asp267fs; shifts the reading frame from aspartic acid 267.
Molecular consequence: frameshift variant.
Genome position (GRCh38, 1-based): chr17:82,092,795-82,092,796, CT deleted on the plus strand (AG on the coding strand, the reverse complement: FASN is on the minus strand). VCF-style (leftmost placement, unchanged base first): chr17-82092794-CCT-C. GRCh37 (hg19) VCF-style: chr17-80050670-CCT-C.
Other names: short protein forms D267fs.
Identifiers: ClinVar variation 2891851 (VCV002891851.3), dbSNP rs1357509089, ClinGen allele CA628027132.

ClinVar aggregate classification (germline): Uncertain significance (1 of 4 stars; one submission).

Conditions:
Epileptic encephalopathy. Identifiers: MedGen C0543888, HP:0200134.

Allele frequency attached by ClinVar (database versions not stated): gnomAD exomes below 0.00001; gnomAD 0.00001.

Submission:

Labcorp Genetics (formerly Invitae), Labcorp
Classification: Uncertain significance for Epileptic encephalopathy. Last evaluated: 2024-04-24. Review status: criteria provided, single submitter. Criteria: Invitae Variant Classification Sherloc (09022015). Collection method: clinical testing. Allele origin: germline.
Comment: This sequence change creates a premature translational stop signal (p.Asp267Tyrfs*18) in the FASN gene. It is expected to result in an absent or disrupted protein product. However, the current clinical and genetic evidence is not sufficient to establish whether loss-of-function variants in FASN cause disease. This variant is present in population databases (no rsID available, gnomAD 0.005%). This variant has not been reported in the literature in individuals affected with FASN-related conditions. Algorithms developed to predict the effect of sequence changes on RNA splicing suggest that this variant may create or strengthen a splice site. In summary, the available evidence is currently insufficient to determine the role of this variant in disease. Therefore, it has been classified as a Variant of Uncertain Significance.